The following is an entry in ClinVar:

ClinVar aggregate classification (germline): Pathogenic (1 of 4 stars; one submission).

Conditions:
Gorlin syndrome. Also called: Nevoid Basal Cell Carcinoma Syndrome; Basal cell nevus syndrome. Identifiers: Orphanet 377, MedGen C0004779, MONDO:0007187.

Submission:

Labcorp Genetics (formerly Invitae), Labcorp
Classification: Pathogenic for Gorlin syndrome. Last evaluated: 2025-01-08. Review status: criteria provided, single submitter. Criteria: Invitae Variant Classification Sherloc (09022015). Collection method: clinical testing. Allele origin: germline.
Comment: This sequence change creates a premature translational stop signal (p.Thr778Tyrfs*12) in the PTCH1 gene. It is expected to result in an absent or disrupted protein product. Loss-of-function variants in PTCH1 are known to be pathogenic (PMID: 16301862, 16419085). This variant is not present in population databases (gnomAD no frequency). This variant has not been reported in the literature in individuals affected with PTCH1-related conditions. For these reasons, this variant has been classified as Pathogenic.

Literature cited by the submitters: PubMed 16301862; PubMed 16419085.

NM_000264.5(PTCH1):c.2331dup (p.Thr778fs)

Genes: PTCH1 (patched 1; minus strand), LOC100507346 (uncharacterized LOC100507346; plus strand). Cytogenetic location: 9q22.32.
Variant type: Duplication.
Coding change: c.2331dup on transcript NM_000264.5 (MANE Select); coding-DNA position 2331, one base duplicated (T; older notation c.2331dupT).
Protein change: p.Thr778fs; shifts the reading frame from threonine 778.
Molecular consequence: frameshift variant. On other transcripts: non-coding transcript variant (1).
Genome position (GRCh38, 1-based): chr9:95,467,345, A duplicated on the plus strand (T on the coding strand, the reverse complement: PTCH1 is on the minus strand); the first of 2 consecutive A bases (chr9:95,467,345-95,467,346); duplicating either gives the same sequence. VCF-style (leftmost placement, unchanged base first): chr9-95467344-T-TA. GRCh37 (hg19) VCF-style: chr9-98229626-T-TA.
Other names: c.2133dup, p.Thr712fs (NM_001083602.3); c.2328dup, p.Thr777fs (NM_001083603.3); c.1878dup, p.Thr627fs (NM_001083604.3, NM_001083605.3, NM_001083606.3 and 1 more transcripts); c.2175dup, p.Thr726fs (NM_001354918.2); short protein forms T627fs, T712fs, T726fs, T777fs, T778fs.
Identifiers: ClinVar variation 3728670 (VCV003728670.2).